The following is an entry in ClinVar:

NM_001165963.4(SCN1A):c.2589+7A>G

Gene: SCN1A (sodium voltage-gated channel alpha subunit 1; minus strand). Cytogenetic location: 2q24.3.
Variant type: single nucleotide variant.
Coding change: c.2589+7A>G on transcript NM_001165963.4 (MANE Select); 7 bases into the intron after coding-DNA position 2589, A replaced by G.
Molecular consequence: intron variant.
Genome position (GRCh38, 1-based): chr2:166,039,416, T>C on the plus strand (A>G on the coding strand, the complement: SCN1A is on the minus strand). VCF-style: chr2-166039416-T-C. GRCh37 (hg19) VCF-style: chr2-166895926-T-C.
Other names: c.2556+7A>G (NM_001353949.2, NM_001353950.2, NM_001353951.2 and 2 more transcripts); c.2505+7A>G (NM_001353958.2, NM_001353957.2, NM_001165964.3); c.2589+7A>G (NM_001202435.3, NM_001353948.2); c.2553+7A>G (NM_001353955.2, NM_001353954.2); c.2502+7A>G (NM_001353960.2); c.147+7A>G (NM_001353961.2).
Identifiers: ClinVar variation 2203194 (VCV002203194.4), dbSNP rs2468112565, ClinGen allele CA2580064541.

ClinVar aggregate classification (germline): Uncertain significance (1 of 4 stars; one submission).

Conditions:
Early-infantile DEE. Also called: Early infantile epileptic encephalopathy with suppression bursts; Early infantile epileptic encephalopathy; Ohtahara syndrome. Identifiers: Orphanet 1934, MedGen C0393706, MONDO:0800491.

Allele frequency attached by ClinVar (database versions not stated): gnomAD exomes below 0.00001.
gnomAD v4.1: 2 of 1,610,490 alleles (0.00012%); highest among the groups gnomAD compares: East Asian, 0.0045%; no homozygotes.

Submission:

Labcorp Genetics (formerly Invitae), Labcorp
Classification: Uncertain significance for Early-infantile DEE. Last evaluated: 2022-06-16. Review status: criteria provided, single submitter. Criteria: Invitae Variant Classification Sherloc (09022015). Collection method: clinical testing. Allele origin: germline.
Comment: In summary, the available evidence is currently insufficient to determine the role of this variant in disease. Therefore, it has been classified as a Variant of Uncertain Significance. Algorithms developed to predict the effect of sequence changes on RNA splicing suggest that this variant is not likely to affect RNA splicing. This variant has been observed in individual(s) with SCN1A-related conditions (PMID: 23195492). In at least one individual the variant was observed to be de novo. This variant is not present in population databases (gnomAD no frequency). This sequence change falls in intron 14 of the SCN1A gene. It does not directly change the encoded amino acid sequence of the SCN1A protein.

Literature cited by the submitters: PubMed 23195492.